The following is an entry in ClinVar:

ClinVar aggregate classification (germline): Uncertain significance. Review status: criteria provided, multiple submitters, no conflicts (2 of 4 stars). 2 submissions from 2 submitters: Uncertain significance (2). Last evaluated 2021-12-09.

Conditions:
Juvenile polyposis syndrome (JPS). Identifiers: Orphanet 2929, MedGen C0345893, MONDO:0017380, OMIM 174900.
Hereditary cancer-predisposing syndrome. Also called: Hereditary neoplastic syndrome; Tumor predisposition; Hereditary Cancer Syndrome; Neoplastic Syndromes, Hereditary. Identifiers: Orphanet 140162, MedGen C0027672, MeSH D009386, MONDO:0015356.

Allele frequency attached by ClinVar (database versions not stated): TOPMed below 0.00001.

Submissions (2):

Ambry Genetics
Classification: Uncertain significance for Hereditary cancer-predisposing syndrome. Last evaluated: 2021-12-09. Review status: criteria provided, single submitter. Criteria: Ambry Variant Classification Scheme 2023. Collection method: clinical testing. Allele origin: germline.
Comment: The p.A509S variant (also known as c.1525G>T), located in coding exon 11 of the BMPR1A gene, results from a G to T substitution at nucleotide position 1525. The alanine at codon 509 is replaced by serine, an amino acid with similar properties. This amino acid position is highly conserved in available vertebrate species. In addition, this alteration is predicted to be tolerated by in silico analysis. Since supporting evidence is limited at this time, the clinical significance of this alteration remains unclear.

Labcorp Genetics (formerly Invitae), Labcorp
Classification: Uncertain significance for Juvenile polyposis syndrome. Last evaluated: 2018-01-13. Review status: criteria provided, single submitter. Criteria: Invitae Variant Classification Sherloc (09022015). Collection method: clinical testing. Allele origin: germline.
Comment: In summary, the available evidence is currently insufficient to determine the role of this variant in disease. Therefore, it has been classified as a Variant of Uncertain Significance. Algorithms developed to predict the effect of missense changes on protein structure and function do not agree on the potential impact of this missense change (SIFT: "Tolerated"; PolyPhen-2: "Possibly Damaging"; Align-GVGD: "Class C0"). This variant has not been reported in the literature in individuals with BMPR1A-related disease. This variant is not present in population databases (ExAC no frequency). This sequence change replaces alanine with serine at codon 509 of the BMPR1A protein (p.Ala509Ser). The alanine residue is highly conserved and there is a moderate physicochemical difference between alanine and serine.

NM_004329.3(BMPR1A):c.1525G>T (p.Ala509Ser)

Gene: BMPR1A (bone morphogenetic protein receptor type 1A; plus strand). Cytogenetic location: 10q23.2.
Variant type: single nucleotide variant.
Coding change: c.1525G>T on transcript NM_004329.3 (MANE Select); coding-DNA position 1525, G replaced by T.
Protein change: p.Ala509Ser; replaces alanine 509 with serine.
Molecular consequence: missense variant.
Genome position (GRCh38, 1-based): chr10:86,923,645, G>T. VCF-style: chr10-86923645-G-T. GRCh37 (hg19) VCF-style: chr10-88683402-G-T.
Other names: short protein forms A509S.
Identifiers: ClinVar variation 580473 (VCV000580473.12), dbSNP rs1564725805, ClinGen allele CA377463842.